The following is an entry in ClinVar:

NM_001370259.2(MEN1):c.702G>A (p.Met234Ile)

Gene: MEN1 (menin 1; minus strand). Cytogenetic location: 11q13.1.
Variant type: single nucleotide variant.
Coding change: c.702G>A on transcript NM_001370259.2 (MANE Select); coding-DNA position 702, G replaced by A.
Protein change: p.Met234Ile; replaces methionine 234 with isoleucine.
Molecular consequence: missense variant.
Genome position (GRCh38, 1-based): chr11:64,807,633, C>T on the plus strand (G>A on the coding strand, the complement: MEN1 is on the minus strand). VCF-style: chr11-64807633-C-T. GRCh37 (hg19) VCF-style: chr11-64575105-C-T.
Other names: c.702G>A, p.Met234Ile (NM_001370261.2, NM_130799.3, NM_001370251.2 and 1 more transcripts); c.597G>A, p.Met199Ile (NM_001370262.2, NM_001370263.2); c.717G>A, p.Met239Ile (NM_130800.3, NM_130801.3, NM_130802.3 and 3 more transcripts); short protein forms M234I, M239I, M199I.
Identifiers: ClinVar variation 527259 (VCV000527259.10), dbSNP rs1448041546, ClinGen allele CA381184587.

ClinVar aggregate classification (germline): Uncertain significance. Review status: criteria provided, multiple submitters, no conflicts (2 of 4 stars). 2 submissions from 2 submitters: Uncertain significance (2). Last evaluated 2025-06-29.

Conditions:
Hereditary cancer-predisposing syndrome. Also called: Neoplastic Syndromes, Hereditary; Tumor predisposition; Hereditary neoplastic syndrome; Hereditary Cancer Syndrome. Identifiers: Orphanet 140162, MedGen C0027672, MeSH D009386, MONDO:0015356.
Multiple endocrine neoplasia, type 1 (MEN1). Also called: MEN I; WERMER SYNDROME; Endocrine adenomatosis multiple; MEN 1; MEA I. Identifiers: Orphanet 652, MedGen C0025267, MeSH D018761, MONDO:0007540, OMIM 131100.

Allele frequency attached by ClinVar (database versions not stated): TOPMed below 0.00001.

Submissions (2):

Labcorp Genetics (formerly Invitae), Labcorp
Classification: Uncertain significance for Multiple endocrine neoplasia, type 1. Last evaluated: 2025-06-29. Review status: criteria provided, single submitter. Criteria: Invitae Variant Classification Sherloc (09022015). Collection method: clinical testing. Allele origin: germline.
Comment: This sequence change replaces methionine, which is neutral and non-polar, with isoleucine, which is neutral and non-polar, at codon 234 of the MEN1 protein (p.Met234Ile). This variant is not present in population databases (gnomAD no frequency). This variant has not been reported in the literature in individuals affected with MEN1-related conditions. ClinVar contains an entry for this variant (Variation ID: 527259). Invitae Evidence Modeling of protein sequence and biophysical properties (such as structural, functional, and spatial information, amino acid conservation, physicochemical variation, residue mobility, and thermodynamic stability) indicates that this missense variant is expected to disrupt MEN1 protein function with a positive predictive value of 95%. In summary, the available evidence is currently insufficient to determine the role of this variant in disease. Therefore, it has been classified as a Variant of Uncertain Significance.

Ambry Genetics
Classification: Uncertain significance for Hereditary cancer-predisposing syndrome. Last evaluated: 2023-04-03. Review status: criteria provided, single submitter. Criteria: Ambry Variant Classification Scheme 2023. Collection method: clinical testing. Allele origin: germline.
Comment: The p.M234I variant (also known as c.702G>A), located in coding exon 3 of the MEN1 gene, results from a G to A substitution at nucleotide position 702. The methionine at codon 234 is replaced by isoleucine, an amino acid with highly similar properties. This amino acid position is conserved. In addition, this alteration is predicted to be deleterious by in silico analysis. Since supporting evidence is limited at this time, the clinical significance of this alteration remains unclear.